The following is an entry in ClinVar:

NM_001042475.3(CEP85L):c.260C>T (p.Ser87Phe)

Gene: CEP85L (centrosomal protein 85L; minus strand). Cytogenetic location: 6q22.31.
Variant type: single nucleotide variant.
Coding change: c.260C>T on transcript NM_001042475.3 (MANE Select); coding-DNA position 260, C replaced by T.
Protein change: p.Ser87Phe; replaces serine 87 with phenylalanine.
Molecular consequence: missense variant.
Genome position (GRCh38, 1-based): chr6:118,566,289, G>A on the plus strand (C>T on the coding strand, the complement: CEP85L is on the minus strand). VCF-style: chr6-118566289-G-A. GRCh37 (hg19) VCF-style: chr6-118887452-G-A.
Other names: c.269C>T, p.Ser90Phe (NM_001178035.2); c.260C>T, p.Ser87Phe (NM_206921.3); short protein forms S87F, S90F.
Identifiers: ClinVar variation 4845456 (VCV004845456.1).

ClinVar aggregate classification (germline): Uncertain significance (1 of 4 stars; one submission).

Submission:

Greenwood Genetic Center Diagnostic Laboratories, Greenwood Genetic Center
Classification: Uncertain significance. Last evaluated: 2025-11-12. Review status: criteria provided, single submitter. Criteria: ACMG Guidelines, 2015. Collection method: clinical testing. Allele origin: germline. Affected: yes.
Comment: PM2, PP3